The following is an entry in ClinVar:

NM_005228.5(EGFR):c.827A>G (p.Gln276Arg)

Gene: EGFR (epidermal growth factor receptor; plus strand). Cytogenetic location: 7p11.2.
Variant type: single nucleotide variant.
Coding change: c.827A>G on transcript NM_005228.5 (MANE Select); coding-DNA position 827, A replaced by G.
Protein change: p.Gln276Arg; replaces glutamine 276 with arginine.
Molecular consequence: missense variant. On other transcripts: intron variant (1).
Genome position (GRCh38, 1-based): chr7:55,154,090, A>G. VCF-style: chr7-55154090-A-G. GRCh37 (hg19) VCF-style: chr7-55221783-A-G.
Other names: c.827A>G (NM_005228.3); c.692A>G, p.Gln231Arg (NM_001346897.2, NM_001346899.2); c.827A>G, p.Gln276Arg (NM_001346898.2, NM_201282.2, NM_201283.2 and 1 more transcripts); c.668A>G, p.Gln223Arg (NM_001346900.2); c.89-1740A>G (NM_001346941.2); short protein forms Q223R, Q276R, Q231R.
Identifiers: ClinVar variation 1487342 (VCV001487342.9), dbSNP rs771396903, ClinGen allele CA4265370.
Genomic context (GRCh38, chr7:55,154,090, plus strand): 5'-ACGAAGCCACGTGCAAGGACACCTGCCCCCCACTCATGCTCTACAACCCCACCACGTACC[A>G]GATGGATGTGAACCCCGAGGGCAAATACAGCTTTGGTGCCACCTGCGTGAAGAAGTGTCC-3'
Protein context (NP_005219.2, residues 266-286): PLMLYNPTTY[Gln276Arg]MDVNPEGKYS

ClinVar aggregate classification (germline): Uncertain significance. Review status: criteria provided, multiple submitters, no conflicts (2 of 4 stars). 2 submissions from 2 submitters: Uncertain significance (2). Last evaluated 2025-10-23.

Conditions:
EGFR-related lung cancer (EGFR). Identifiers: MedGen CN130014.
Hereditary cancer-predisposing syndrome. Also called: Hereditary neoplastic syndrome; Neoplastic Syndromes, Hereditary; Hereditary Cancer Syndrome; Tumor predisposition. Identifiers: Orphanet 140162, MedGen C0027672, MeSH D009386, MONDO:0015356.

Allele frequency attached by ClinVar (database versions not stated): gnomAD exomes below 0.00001 and 0.00001; ExAC 0.00001; gnomAD 0.00001; TOPMed 0.00002.
gnomAD v4.1: 14 of 1,614,046 alleles (0.00087%); highest among the groups gnomAD compares: Non-Finnish European, 0.0012%; no homozygotes.

Submissions (2):

Labcorp Genetics (formerly Invitae), Labcorp
Classification: Uncertain significance for EGFR-related lung cancer. Last evaluated: 2025-10-23. Review status: criteria provided, single submitter. Criteria: Invitae Variant Classification Sherloc (09022015). Collection method: clinical testing. Allele origin: germline.
Comment: This sequence change replaces glutamine, which is neutral and polar, with arginine, which is basic and polar, at codon 276 of the EGFR protein (p.Gln276Arg). This variant is present in population databases (rs771396903, gnomAD 0.0009%). This variant has not been reported in the literature in individuals affected with EGFR-related conditions. ClinVar contains an entry for this variant (Variation ID: 1487342). Invitae Evidence Modeling of protein sequence and biophysical properties (such as structural, functional, and spatial information, amino acid conservation, physicochemical variation, residue mobility, and thermodynamic stability) indicates that this missense variant is not expected to disrupt EGFR protein function with a negative predictive value of 80%. In summary, the available evidence is currently insufficient to determine the role of this variant in disease. Therefore, it has been classified as a Variant of Uncertain Significance.

Ambry Genetics
Classification: Uncertain significance for Hereditary cancer-predisposing syndrome. Last evaluated: 2024-12-13. Review status: criteria provided, single submitter. Criteria: Ambry Variant Classification Scheme 2023. Collection method: clinical testing. Allele origin: germline.
Comment: The p.Q276R variant (also known as c.827A>G), located in coding exon 7 of the EGFR gene, results from an A to G substitution at nucleotide position 827. The glutamine at codon 276 is replaced by arginine, an amino acid with highly similar properties. This amino acid position is conserved. In addition, this alteration is predicted to be tolerated by in silico analysis. Based on the available evidence, the clinical significance of this variant remains unclear.